The following is an entry in ClinVar:

ClinVar aggregate classification (germline): Uncertain significance (1 of 4 stars; one submission).

Conditions:
Epileptic encephalopathy. Identifiers: MedGen C0543888, HP:0200134.

Allele frequency attached by ClinVar (database versions not stated): ExAC 0.00001; gnomAD 0.00001; gnomAD exomes 0.00001 and 0.00002; TOPMed 0.00001.
gnomAD v4.1: 9 of 1,613,526 alleles (0.00056%); highest among the groups gnomAD compares: Non-Finnish European, 0.00076%; no homozygotes.

Submission:

Labcorp Genetics (formerly Invitae), Labcorp
Classification: Uncertain significance for Epileptic encephalopathy. Last evaluated: 2022-06-29. Review status: criteria provided, single submitter. Criteria: Invitae Variant Classification Sherloc (09022015). Collection method: clinical testing. Allele origin: germline.
Comment: This sequence change replaces cysteine, which is neutral and slightly polar, with phenylalanine, which is neutral and non-polar, at codon 488 of the RYR3 protein (p.Cys488Phe). This variant is present in population databases (rs766106079, gnomAD 0.004%). This variant has not been reported in the literature in individuals affected with RYR3-related conditions. ClinVar contains an entry for this variant (Variation ID: 575113). Algorithms developed to predict the effect of missense changes on protein structure and function are either unavailable or do not agree on the potential impact of this missense change (SIFT: "Deleterious"; PolyPhen-2: "Probably Damaging"; Align-GVGD: "Class C0"). In summary, the available evidence is currently insufficient to determine the role of this variant in disease. Therefore, it has been classified as a Variant of Uncertain Significance.

NM_001036.6(RYR3):c.1463G>T (p.Cys488Phe)

Gene: RYR3 (ryanodine receptor 3; plus strand). Cytogenetic location: 15q14.
Variant type: single nucleotide variant.
Coding change: c.1463G>T on transcript NM_001036.6 (MANE Select); coding-DNA position 1463, G replaced by T.
Protein change: p.Cys488Phe; replaces cysteine 488 with phenylalanine.
Molecular consequence: missense variant.
Genome position (GRCh38, 1-based): chr15:33,581,533, G>T. VCF-style: chr15-33581533-G-T. GRCh37 (hg19) VCF-style: chr15-33873734-G-T.
Other names: c.1463G>T, p.Cys488Phe (NM_001243996.4); short protein forms C488F.
Identifiers: ClinVar variation 575113 (VCV000575113.8), dbSNP rs766106079, ClinGen allele CA7458141.
Genomic context (GRCh38, chr15:33,581,533, plus strand): 5'-GCAATGTTTACATTTTCCTCCACTCTCCTTCTCAGGGAATGTTGGCCCTTGTCTTAAATT[G>T]CATTGACCGCTTAAATGTCTACAATAGCGTAGCACACTTTGCAGGGATTGCAAGGGAAGA-3'
Protein context (NP_001027.3, residues 478-498): EEGMLALVLN[Cys488Phe]IDRLNVYNSV